The following is an entry in ClinVar:

ClinVar aggregate classification (germline): Uncertain significance (1 of 4 stars; one submission).

Submission:

GeneDx
Classification: Uncertain significance. Last evaluated: 2021-06-18. Review status: criteria provided, single submitter. Criteria: GeneDx Variant Classification Process June 2021. Collection method: clinical testing. Allele origin: germline. Affected: yes.
Comment: Not observed at significant frequency in large population cohorts (Lek et al., 2016); In silico analysis supports that this missense variant does not alter protein structure/function; Has not been previously published as pathogenic or benign to our knowledge; This variant is associated with the following publications: (PMID: 27535533, 15235021, 22850631)

NM_004360.5(CDH1):c.2548T>G (p.Ser850Ala)

Gene: CDH1 (cadherin 1; plus strand). Cytogenetic location: 16q22.1.
Variant type: single nucleotide variant.
Coding change: c.2548T>G on transcript NM_004360.5 (MANE Select); coding-DNA position 2548, T replaced by G.
Protein change: p.Ser850Ala; replaces serine 850 with alanine.
Molecular consequence: missense variant.
Genome position (GRCh38, 1-based): chr16:68,833,398, T>G. VCF-style: chr16-68833398-T-G. GRCh37 (hg19) VCF-style: chr16-68867301-T-G.
Other names: c.2365T>G, p.Ser789Ala (NM_001317184.2); c.1000T>G, p.Ser334Ala (NM_001317185.2); c.583T>G, p.Ser195Ala (NM_001317186.2); short protein forms S195A, S334A, S789A, S850A.
Identifiers: ClinVar variation 1328677 (VCV001328677.2), dbSNP rs2152144054, ClinGen allele CA396472396.